The following is an entry in ClinVar:

NM_001110556.2(FLNA):c.3309G>A (p.Thr1103=)

Gene: FLNA (filamin A; minus strand). Cytogenetic location: Xq28.
Variant type: single nucleotide variant.
Coding change: c.3309G>A on transcript NM_001110556.2 (MANE Select); coding-DNA position 3309, G replaced by A.
Protein change: p.Thr1103=; no amino-acid change (threonine 1103 retained).
Molecular consequence: synonymous variant.
Genome position (GRCh38, 1-based): chrX:154,360,486, C>T on the plus strand (G>A on the coding strand, the complement: FLNA is on the minus strand). VCF-style: chrX-154360486-C-T. GRCh37 (hg19) VCF-style: chrX-153588854-C-T.
Other names: c.3309G>A (NM_001110556.1); c.3309G>A, p.Thr1103= (NM_001456.4).
Identifiers: ClinVar variation 519870 (VCV000519870.16), dbSNP rs782374592, ClinGen allele CA10560727.
Genomic context (GRCh38, chrX:154,360,486, plus strand): 5'-GGAACATGTGCCATCCCCATTGTCCAAGCACTCGAGCTGCGCCTCACAGGGGCCCTCCAC[C>T]GTCAGGCCCAGGCCACCTGTGCCGGCGCCCTTGGTGTCGATGGTGAAGCGGGCGGGGGAG-3'
Protein context (NP_001104026.1, residues 1093-1113): KGAGTGGLGL[Thr1103=]VEGPCEAQLE

ClinVar aggregate classification (germline): Benign/Likely benign. Review status: criteria provided, multiple submitters, no conflicts (2 of 4 stars). 4 submissions from 4 submitters: Benign (1); Likely benign (2). 1 of the submissions does not count toward it. Last evaluated 2024-10-15.

Conditions:
Oto-palato-digital syndrome, type II (OPD2). Also called: Otopalatodigital Syndrome Type 2 (FLNA-OPD2); Otopalatodigital Syndrome, Type II; OPD II SYNDROME; FACIOPALATOOSSEOUS SYNDROME. Identifiers: Orphanet 669, Orphanet 90652, MedGen C1844696, MONDO:0010571, OMIM 304120.
Heterotopia, periventricular, X-linked dominant (PVNH1). Also called: PERIVENTRICULAR NODULAR HETEROTOPIA 1; PERIVENTRICULAR NODULAR HETEROTOPIA 4; HETEROTOPIA, PERIVENTRICULAR, 1; X-linked periventricular heterotopia. Identifiers: Orphanet 2149, Orphanet 82004, MedGen C1848213, MONDO:0010233, OMIM 300049.
Melnick-Needles syndrome (MNS). Also called: Melnick-Needles Syndrome (FLNA-MNS); OSTEODYSPLASTY OF MELNICK AND NEEDLES; MELNICK-NEEDLES OSTEODYSPLASTY. Identifiers: Orphanet 2484, MedGen C0025237, MONDO:0010650, OMIM 309350.
Frontometaphyseal dysplasia (FMD1). Identifiers: Orphanet 1826, MedGen C0265293, MONDO:0015942.
FLNA-related disorder.
Familial thoracic aortic aneurysm and aortic dissection (TAAD). Also called: Thoracic aortic aneurysms and dissections. Identifiers: Orphanet 91387, MedGen C4707243, MONDO:0019625.

Allele frequency attached by ClinVar (database versions not stated): gnomAD 0.00003; TOPMed 0.00003; gnomAD exomes 0.00008; ExAC 0.00011.
gnomAD v4.1: 22 of 1,210,316 alleles (0.0018%); highest among the groups gnomAD compares: East Asian, 0.036%; no homozygotes.

Submissions (4):

Labcorp Genetics (formerly Invitae), Labcorp
Classification: Benign for Oto-palato-digital syndrome, type II; Heterotopia, periventricular, X-linked dominant; Frontometaphyseal dysplasia; Melnick-Needles syndrome. Last evaluated: 2024-10-15. Review status: criteria provided, single submitter. Criteria: Invitae Variant Classification Sherloc (09022015). Collection method: clinical testing. Allele origin: germline.

Blueprint Genetics
Classification: Likely benign. Last evaluated: 2020-04-08. Review status: criteria provided, single submitter. Criteria: ACMG Guidelines, 2015. Collection method: clinical testing. Allele origin: germline.

Ambry Genetics
Classification: Likely benign for Familial thoracic aortic aneurysm and aortic dissection. Last evaluated: 2016-01-25. Review status: criteria provided, single submitter. Criteria: Ambry Variant Classification Scheme 2023. Collection method: clinical testing. Allele origin: germline.

PreventionGenetics, part of Exact Sciences
Classification: Likely benign for FLNA-related condition. Last evaluated: 2024-07-03. Review status: no assertion criteria provided. Collection method: clinical testing. Allele origin: germline. Not counted in ClinVar's aggregate classification.
Comment: This variant is classified as likely benign based on ACMG/AMP sequence variant interpretation guidelines (Richards et al. 2015 PMID: 25741868, with internal and published modifications).